The following is an entry in ClinVar:

ClinVar aggregate classification (germline): Conflicting classifications of pathogenicity. Review status: criteria provided, conflicting classifications (1 of 4 stars). 2 submissions from 2 submitters: Uncertain significance (1); Likely benign (1). Last evaluated 2020-03-26.

Conditions:
Osteogenesis imperfecta with normal sclerae, dominant form (OI4). Also called: Osteogenesis imperfecta type 4; OSTEOGENESIS IMPERFECTA, TYPE IV, WITH DENTINOGENESIS IMPERFECTA; OSTEOGENESIS IMPERFECTA WITH NORMAL SCLERAE; Osteogenesis Imperfecta Type IV; Common Variable Osteogenesis Imperfecta with Normal Sclerae. Identifiers: Orphanet 216820, Orphanet 666, MedGen C0268363, MONDO:0008148, OMIM 166220.

Submissions (2):

Centre for Mendelian Genomics, University Medical Centre Ljubljana
Classification: Uncertain significance for Osteogenesis imperfecta with normal sclerae, dominant form. Last evaluated: 2020-03-26. Review status: criteria provided, single submitter. Criteria: ACMG Guidelines, 2015. Collection method: clinical testing. Allele origin: unknown. Affected: yes.
Comment: This variant was classified as: Uncertain significance. The available evidence on this variant's pathogenicity is insufficient or conflicting. The following ACMG criteria were applied in classifying this variant: PM2,BP4.

Blueprint Genetics
Classification: Likely benign. Last evaluated: 2019-11-20. Review status: criteria provided, single submitter. Criteria: ACMG Guidelines, 2015. Collection method: clinical testing. Allele origin: germline.

NM_000089.4(COL1A2):c.71-6C>A

Gene: COL1A2 (collagen type I alpha 2 chain; plus strand). Cytogenetic location: 7q21.3.
Variant type: single nucleotide variant.
Coding change: c.71-6C>A on transcript NM_000089.4 (MANE Select); 6 bases into the intron before coding-DNA position 71, C replaced by A.
Molecular consequence: intron variant.
Genome position (GRCh38, 1-based): chr7:94,397,742, C>A. VCF-style: chr7-94397742-C-A. GRCh37 (hg19) VCF-style: chr7-94027054-C-A.
Identifiers: ClinVar variation 930893 (VCV000930893.4), dbSNP rs201076141, ClinGen allele CA576321290.
Genomic context (GRCh38, chr7:94,397,742, plus strand): 5'-TATTGCTATTGATCCATGAAGTGATACTAATAATTGTTTCCTACTTTTTCTTTTTTTTTT[C>A]TACAGCTTTACAAGAGGTGAGTAAAACTTTTTTTAGAATTTTTAAAAATACTTTGATTCC-3'